The following is an entry in ClinVar:

ClinVar aggregate classification (germline): Uncertain significance. Review status: criteria provided, multiple submitters, no conflicts (2 of 4 stars). 2 submissions from 2 submitters: Uncertain significance (2). Last evaluated 2026-01-06.

Conditions:
Cardiovascular phenotype. Identifiers: MedGen CN230736.

Allele frequency attached by ClinVar (database versions not stated): TOPMed 0.00002; gnomAD exomes 0.00006; 1000 Genomes Project 0.00020; gnomAD 0.00001; 1000 Genomes Project 30x 0.00016.

Submissions (2):

Labcorp Genetics (formerly Invitae), Labcorp
Classification: Uncertain significance. Last evaluated: 2026-01-06. Review status: criteria provided, single submitter. Criteria: Invitae Variant Classification Sherloc (09022015). Collection method: clinical testing. Allele origin: germline.
Comment: This sequence change replaces glycine, which is neutral and non-polar, with glutamic acid, which is acidic and polar, at codon 147 of the ALPK3 protein (p.Gly147Glu). This variant is present in population databases (rs572969717, gnomAD 0.03%). This variant has not been reported in the literature in individuals affected with ALPK3-related conditions. ClinVar contains an entry for this variant (Variation ID: 1483632). An algorithm developed to predict the effect of missense changes on protein structure and function (PolyPhen-2) suggests that this variant is likely to be disruptive. In summary, the available evidence is currently insufficient to determine the role of this variant in disease. Therefore, it has been classified as a Variant of Uncertain Significance.

Ambry Genetics
Classification: Uncertain significance for Cardiovascular phenotype. Last evaluated: 2023-09-30. Review status: criteria provided, single submitter. Criteria: Ambry Variant Classification Scheme 2023. Collection method: clinical testing. Allele origin: germline.
Comment: The p.G147E variant (also known as c.440G>A), located in coding exon 1 of the ALPK3 gene, results from a G to A substitution at nucleotide position 440. The glycine at codon 147 is replaced by glutamic acid, an amino acid with similar properties. This amino acid position is conserved. In addition, this alteration is predicted to be tolerated by in silico analysis. Since supporting evidence is limited at this time, the clinical significance of this alteration remains unclear.

NC_000015.10:g.84817286G>A

Gene: ALPK3 (alpha kinase 3; plus strand). Cytogenetic location: 15q25.3.
Variant type: single nucleotide variant.
Genome position: GRCh38 VCF-style: chr15-84817286-G-A. GRCh37 (hg19) VCF-style: chr15-85360517-G-A.
Other names: short protein forms G147E.
Identifiers: ClinVar variation 1483632 (VCV001483632.9), dbSNP rs572969717, ClinGen allele CA273651040.